The following is an entry in ClinVar:

NM_001165963.4(SCN1A):c.4231G>A (p.Val1411Met)

Genes: SCN1A (sodium voltage-gated channel alpha subunit 1; minus strand), LOC102724058 (uncharacterized LOC102724058; plus strand). Cytogenetic location: 2q24.3.
Variant type: single nucleotide variant.
Coding change: c.4231G>A on transcript NM_001165963.4 (MANE Select); coding-DNA position 4231, G replaced by A.
Protein change: p.Val1411Met; replaces valine 1411 with methionine.
Molecular consequence: missense variant. On other transcripts: non-coding transcript variant (1).
Genome position (GRCh38, 1-based): chr2:166,002,525, C>T on the plus strand (G>A on the coding strand, the complement: SCN1A is on the minus strand). VCF-style: chr2-166002525-C-T. GRCh37 (hg19) VCF-style: chr2-166859035-C-T.
Other names: c.4198G>A, p.Val1400Met (NM_001353952.2, NM_006920.6, NM_001353949.2 and 2 more transcripts); c.4195G>A, p.Val1399Met (NM_001353954.2, NM_001353955.2); c.4147G>A, p.Val1383Met (NM_001353957.2, NM_001353958.2, NM_001165964.3); c.4144G>A, p.Val1382Met (NM_001353960.2); c.1789G>A, p.Val597Met (NM_001353961.2); c.4231G>A, p.Val1411Met (NM_001202435.3, NM_001353948.2); short protein forms V1411M, V1400M, V597M, V1382M, V1383M, V1399M.
Identifiers: ClinVar variation 848474 (VCV000848474.17), dbSNP rs1691042935, ClinGen allele CA349049976.

ClinVar aggregate classification (germline): Uncertain significance. Review status: criteria provided, multiple submitters, no conflicts (2 of 4 stars). 4 submissions from 4 submitters: Uncertain significance (4). Last evaluated 2026-07-23.

Conditions:
Inborn genetic diseases. Identifiers: MedGen C0950123, MeSH D030342.
Early-infantile DEE. Also called: Early infantile epileptic encephalopathy; Ohtahara syndrome; Early infantile epileptic encephalopathy with suppression bursts. Identifiers: Orphanet 1934, MedGen C0393706, MONDO:0800491.

Allele frequency attached by ClinVar (database versions not stated): TOPMed below 0.00001; gnomAD exomes below 0.00001; gnomAD 0.00001.
gnomAD v4.1: 4 of 1,611,468 alleles (0.00025%); highest among the groups gnomAD compares: Admixed American, 0.0017%; no homozygotes.

Submissions (4):

Ambry Genetics
Classification: Uncertain significance for Inborn genetic diseases. Last evaluated: 2026-07-23. Review status: criteria provided, single submitter. Criteria: Ambry Variant Classification Scheme 2023. Collection method: clinical testing. Allele origin: germline.

GeneDx
Classification: Uncertain significance. Last evaluated: 2026-07-17. Review status: criteria provided, single submitter. Criteria: GeneDx Variant Classification Process June 2021. Collection method: clinical testing. Allele origin: germline.
Comment: Not observed at significant frequency in large population cohorts (gnomAD); In silico analysis supports that this missense variant has a deleterious effect on protein structure/function; This substitution is predicted to be within the extracellular loop between the S5 and S6 transmembrane segments of the third homologous domain; Has not been previously published as pathogenic or benign to our knowledge

Dasa
Classification: Uncertain significance. Last evaluated: 2025-01-16. Review status: criteria provided, single submitter. Criteria: DASA Assertion Criteria. Collection method: clinical testing. Allele origin: germline.
Comment: NM_001165963.4(SCN1A):c.4231G>A (p.Val1411Met) is a missense variant that results in the substitution of valine with methionine. This variant is rare in population databases. Computational prediction algorithms are consistent with a deleterious effect. The currently available literature and clinical evidence are not sufficient to establish a definitive association between this variant and the reported condition. Therefore, this variant is classified as a variant of uncertain significance.

Labcorp Genetics (formerly Invitae), Labcorp
Classification: Uncertain significance for Early-infantile DEE. Last evaluated: 2024-03-04. Review status: criteria provided, single submitter. Criteria: Invitae Variant Classification Sherloc (09022015). Collection method: clinical testing. Allele origin: germline.
Comment: This sequence change replaces valine, which is neutral and non-polar, with methionine, which is neutral and non-polar, at codon 1411 of the SCN1A protein (p.Val1411Met). This variant is not present in population databases (gnomAD no frequency). This variant has not been reported in the literature in individuals affected with SCN1A-related conditions. ClinVar contains an entry for this variant (Variation ID: 848474). Advanced modeling of protein sequence and biophysical properties (such as structural, functional, and spatial information, amino acid conservation, physicochemical variation, residue mobility, and thermodynamic stability) performed at Invitae indicates that this missense variant is expected to disrupt SCN1A protein function with a positive predictive value of 95%. In summary, the available evidence is currently insufficient to determine the role of this variant in disease. Therefore, it has been classified as a Variant of Uncertain Significance.